The following is an entry in ClinVar:

NM_000136.3(FANCC):c.812G>T (p.Arg271Met)

Genes: AOPEP (aminopeptidase O (putative); plus strand), FANCC (FA complementation group C; minus strand). Cytogenetic location: 9q22.32.
Variant type: single nucleotide variant.
Coding change: c.812G>T on transcript NM_000136.3 (MANE Select); coding-DNA position 812, G replaced by T.
Protein change: p.Arg271Met; replaces arginine 271 with methionine.
Molecular consequence: missense variant.
Genome position (GRCh38, 1-based): chr9:95,135,377, C>A on the plus strand (G>T on the coding strand, the complement: FANCC is on the minus strand). VCF-style: chr9-95135377-C-A. GRCh37 (hg19) VCF-style: chr9-97897659-C-A.
Other names: c.812G>T, p.Arg271Met (NM_001243743.2, NM_001243744.2); short protein forms R271M.
Identifiers: ClinVar variation 827471 (VCV000827471.4), dbSNP rs1344154616, ClinGen allele CA374109235.

ClinVar aggregate classification (germline): Uncertain significance (1 of 4 stars; one submission).

Conditions:
Hereditary cancer-predisposing syndrome. Also called: Neoplastic Syndromes, Hereditary; Tumor predisposition; Hereditary neoplastic syndrome; Hereditary Cancer Syndrome. Identifiers: Orphanet 140162, MedGen C0027672, MeSH D009386, MONDO:0015356.

gnomAD v4.1: 1 of 1,614,092 alleles (0.000062%); highest among the groups gnomAD compares: Non-Finnish European, 0.000085%; no homozygotes.

Submission:

Ambry Genetics
Classification: Uncertain significance for Hereditary cancer-predisposing syndrome. Last evaluated: 2019-03-28. Review status: criteria provided, single submitter. Criteria: Ambry Variant Classification Scheme 2023. Collection method: clinical testing. Allele origin: germline.
Comment: The p.R271M variant (also known as c.812G>T), located in coding exon 7 of the FANCC gene, results from a G to T substitution at nucleotide position 812. The arginine at codon 271 is replaced by methionine, an amino acid with similar properties. This amino acid position is not well conserved in available vertebrate species. In addition, this alteration is predicted to be tolerated by in silico analysis. Since supporting evidence is limited at this time, the clinical significance of this alteration remains unclear.